The following is an entry in ClinVar:

NM_001378454.1(ALMS1):c.11747A>G (p.Glu3916Gly)

Gene: ALMS1 (ALMS1 centrosome and basal body associated protein; plus strand). Cytogenetic location: 2p13.1.
Variant type: single nucleotide variant.
Coding change: c.11747A>G on transcript NM_001378454.1 (MANE Select); coding-DNA position 11747, A replaced by G.
Protein change: p.Glu3916Gly; replaces glutamic acid 3916 with glycine.
Molecular consequence: missense variant.
Genome position (GRCh38, 1-based): chr2:73,600,756, A>G. VCF-style: chr2-73600756-A-G. GRCh37 (hg19) VCF-style: chr2-73827883-A-G.
Other names: c.11750A>G, p.Glu3917Gly (NM_015120.4); short protein forms E3917G, E3916G.
Identifiers: ClinVar variation 1433248 (VCV001433248.6), dbSNP rs2104193436, ClinGen allele CA347264332.

ClinVar aggregate classification (germline): Uncertain significance (1 of 4 stars; one submission).

Conditions:
Alstrom syndrome (ALMS). Identifiers: Orphanet 64, MedGen C0268425, MONDO:0008763, OMIM 203800.

Submission:

Labcorp Genetics (formerly Invitae), Labcorp
Classification: Uncertain significance for Alstrom syndrome. Last evaluated: 2022-09-01. Review status: criteria provided, single submitter. Criteria: Invitae Variant Classification Sherloc (09022015). Collection method: clinical testing. Allele origin: germline.
Comment: In summary, the available evidence is currently insufficient to determine the role of this variant in disease. Therefore, it has been classified as a Variant of Uncertain Significance. Experimental studies and prediction algorithms are not available or were not evaluated, and the functional significance of this variant is currently unknown. ClinVar contains an entry for this variant (Variation ID: 1433248). This variant has not been reported in the literature in individuals affected with ALMS1-related conditions. This variant is not present in population databases (gnomAD no frequency). This sequence change replaces glutamic acid with glycine at codon 3917 of the ALMS1 protein (p.Glu3917Gly). The glutamic acid residue is moderately conserved and there is a moderate physicochemical difference between glutamic acid and glycine.